The following is an entry in ClinVar:

ClinVar aggregate classification (germline): Uncertain significance. Review status: criteria provided, multiple submitters, no conflicts (2 of 4 stars). 2 submissions from 2 submitters: Uncertain significance (2). Last evaluated 2025-08-28.

Conditions:
Early-onset Lafora body disease. Also called: Epilepsy, progressive myoclonic, 10. Identifiers: Orphanet 324290, MedGen C4225258, MONDO:0014717, OMIM 616640.

Allele frequency attached by ClinVar (database versions not stated): gnomAD exomes 0.00002 and 0.00005; gnomAD 0.00003; TOPMed 0.00005; ExAC 0.00027.

Submissions (2):

Ambry Genetics
Classification: Uncertain significance. Last evaluated: 2025-08-28. Review status: criteria provided, single submitter. Criteria: Ambry Variant Classification Scheme 2023. Collection method: clinical testing. Allele origin: germline.

Labcorp Genetics (formerly Invitae), Labcorp
Classification: Uncertain significance for Early-onset Lafora body disease. Last evaluated: 2021-08-28. Review status: criteria provided, single submitter. Criteria: Invitae Variant Classification Sherloc (09022015). Collection method: clinical testing. Allele origin: germline.
Comment: This sequence change replaces proline with arginine at codon 563 of the PRDM8 protein (p.Pro563Arg). The proline residue is weakly conserved and there is a moderate physicochemical difference between proline and arginine. This variant is present in population databases (rs760525459, ExAC 0.1%). This variant has not been reported in the literature in individuals affected with PRDM8-related conditions. Algorithms developed to predict the effect of missense changes on protein structure and function output the following: SIFT: "Deleterious"; PolyPhen-2: "Benign"; Align-GVGD: "Class C0". The arginine amino acid residue is found in multiple mammalian species, which suggests that this missense change does not adversely affect protein function. In summary, the available evidence is currently insufficient to determine the role of this variant in disease. Therefore, it has been classified as a Variant of Uncertain Significance.

NM_001099403.2(PRDM8):c.1688C>G (p.Pro563Arg)

Gene: PRDM8 (PR/SET domain 8; plus strand). Cytogenetic location: 4q21.21.
Variant type: single nucleotide variant.
Coding change: c.1688C>G on transcript NM_001099403.2 (MANE Select); coding-DNA position 1688, C replaced by G.
Protein change: p.Pro563Arg; replaces proline 563 with arginine.
Molecular consequence: missense variant.
Genome position (GRCh38, 1-based): chr4:80,203,150, C>G. VCF-style: chr4-80203150-C-G. GRCh37 (hg19) VCF-style: chr4-81124304-C-G.
Other names: c.1688C>G, p.Pro563Arg (NM_020226.4); c.1688C>G (NM_020226.3); short protein forms P563R.
Identifiers: ClinVar variation 1017228 (VCV001017228.8), dbSNP rs760525459, ClinGen allele CA2982430.